The following is an entry in ClinVar:

NM_020247.5(COQ8A):c.1325T>G (p.Val442Gly)

Gene: COQ8A (coenzyme Q8A; plus strand). Cytogenetic location: 1q42.13.
Variant type: single nucleotide variant.
Coding change: c.1325T>G on transcript NM_020247.5 (MANE Select); coding-DNA position 1325, T replaced by G.
Protein change: p.Val442Gly; replaces valine 442 with glycine.
Molecular consequence: missense variant.
Genome position (GRCh38, 1-based): chr1:226,984,162, T>G. VCF-style: chr1-226984162-T-G. GRCh37 (hg19) VCF-style: chr1-227171863-T-G.
Other names: short protein forms V442G.
Identifiers: ClinVar variation 1502796 (VCV001502796.3), dbSNP rs752733827, ClinGen allele CA1425439.
Genomic context (GRCh38, chr1:226,984,162, plus strand): 5'-TGAAGGGCCACCCCTTCTTCTATGTGCCTGAGATTGTGGATGAGCTCTGCAGCCCACATG[T>G]GCTGACCACAGAGCTGGTGTCTGGCTTCCCCCTGGACCAGGCCGAAGGGCTCAGCCAGGA-3'
Protein context (NP_064632.2, residues 432-452): EIVDELCSPH[Val442Gly]LTTELVSGFP

ClinVar aggregate classification (germline): Uncertain significance (1 of 4 stars; one submission).

Allele frequency attached by ClinVar (database versions not stated): gnomAD exomes below 0.00001; ExAC 0.00001; gnomAD 0.00001.
gnomAD v4.1: 1 of 1,613,796 alleles (0.000062%); highest among the groups gnomAD compares: Non-Finnish European, 0.000085%; no homozygotes.

Submission:

Labcorp Genetics (formerly Invitae), Labcorp
Classification: Uncertain significance. Last evaluated: 2021-10-06. Review status: criteria provided, single submitter. Criteria: Invitae Variant Classification Sherloc (09022015). Collection method: clinical testing. Allele origin: germline.
Comment: This sequence change replaces valine with glycine at codon 442 of the COQ8A protein (p.Val442Gly). The valine residue is highly conserved and there is a moderate physicochemical difference between valine and glycine. This variant is present in population databases (rs752733827, ExAC 0.002%). This variant has not been reported in the literature in individuals affected with COQ8A-related conditions. Advanced modeling of protein sequence and biophysical properties (such as structural, functional, and spatial information, amino acid conservation, physicochemical variation, residue mobility, and thermodynamic stability) performed at Invitae indicates that this missense variant is expected to disrupt COQ8A protein function. In summary, the available evidence is currently insufficient to determine the role of this variant in disease. Therefore, it has been classified as a Variant of Uncertain Significance.